The following is an entry in ClinVar:

NM_001148.6(ANK2):c.6776G>A (p.Gly2259Glu)

Gene: ANK2 (ankyrin 2; plus strand). Cytogenetic location: 4q26.
Variant type: single nucleotide variant.
Coding change: c.6776G>A on transcript NM_001148.6 (MANE Select); coding-DNA position 6776, G replaced by A.
Protein change: p.Gly2259Glu; replaces glycine 2259 with glutamic acid.
Molecular consequence: missense variant. On other transcripts: intron variant (68).
Genome position (GRCh38, 1-based): chr4:113,355,394, G>A. VCF-style: chr4-113355394-G-A. GRCh37 (hg19) VCF-style: chr4-114276550-G-A.
Other names: c.6542G>A, p.Gly2181Glu (NM_001386142.1); c.3176G>A, p.Gly1059Glu (NM_001386166.1); c.6917G>A, p.Gly2306Glu (NM_001386174.1); c.6893G>A, p.Gly2298Glu (NM_001386175.1); c.4411+5145G>A (NM_001386186.2, NM_001386148.2); c.4213+5145G>A (NM_001354269.3); c.4291+5145G>A (NM_001386187.2); c.4252+5145G>A (NM_001386147.1); and 35 more; short protein forms G1059E, G2181E, G2259E, G2298E, G2306E.
Identifiers: ClinVar variation 3220994 (VCV003220994.1), dbSNP rs769504090, ClinGen allele CA3051470.

ClinVar aggregate classification (germline): Uncertain significance (1 of 4 stars; one submission).

Conditions:
Cardiovascular phenotype. Identifiers: MedGen CN230736.

Allele frequency attached by ClinVar (database versions not stated): gnomAD exomes below 0.00001; ExAC 0.00001.
gnomAD v4.1: 1 of 1,613,948 alleles (0.000062%); highest among the groups gnomAD compares: South Asian, 0.0011%; no homozygotes.

Submission:

Ambry Genetics
Classification: Uncertain significance for Cardiovascular phenotype. Last evaluated: 2022-11-15. Review status: criteria provided, single submitter. Criteria: Ambry Variant Classification Scheme 2023. Collection method: clinical testing. Allele origin: germline.
Comment: The p.G2259E variant (also known as c.6776G>A), located in coding exon 38 of the ANK2 gene, results from a G to A substitution at nucleotide position 6776. The glycine at codon 2259 is replaced by glutamic acid, an amino acid with similar properties. This amino acid position is conserved. In addition, this alteration is predicted to be tolerated by in silico analysis. Since supporting evidence is limited at this time, the clinical significance of this alteration remains unclear.